The following is an entry in ClinVar:

ClinVar aggregate classification (germline): Uncertain significance (1 of 4 stars; one submission).

Conditions:
Candidiasis, familial, 9 (CANDF9). Identifiers: Orphanet 1334, MedGen C4225324, MONDO:0014642, OMIM 616445.

Allele frequency attached by ClinVar (database versions not stated): gnomAD exomes below 0.00001 and 0.00001; gnomAD 0.00001 and 0.00002.
gnomAD v4.1: 14 of 1,605,388 alleles (0.00087%); highest among the groups gnomAD compares: South Asian, 0.0022%; no homozygotes.

Submission:

Labcorp Genetics (formerly Invitae), Labcorp
Classification: Uncertain significance for Candidiasis, familial, 9. Last evaluated: 2022-07-19. Review status: criteria provided, single submitter. Criteria: Invitae Variant Classification Sherloc (09022015). Collection method: clinical testing. Allele origin: germline.
Comment: In summary, the available evidence is currently insufficient to determine the role of this variant in disease. Therefore, it has been classified as a Variant of Uncertain Significance. Algorithms developed to predict the effect of sequence changes on RNA splicing suggest that this variant may disrupt the consensus splice site. Algorithms developed to predict the effect of missense changes on protein structure and function are either unavailable or do not agree on the potential impact of this missense change (SIFT: "Deleterious"; PolyPhen-2: "Benign"; Align-GVGD: "Class C0"). ClinVar contains an entry for this variant (Variation ID: 1393031). This variant has not been reported in the literature in individuals affected with IL17RC-related conditions. The frequency data for this variant in the population databases is considered unreliable, as metrics indicate poor data quality at this position in the gnomAD database. This sequence change replaces glutamic acid, which is acidic and polar, with lysine, which is basic and polar, at codon 269 of the IL17RC protein (p.Glu269Lys).

NM_153460.4(IL17RC):c.592G>A (p.Glu198Lys)

Gene: IL17RC (interleukin 17 receptor C; plus strand). Cytogenetic location: 3p25.3.
Variant type: single nucleotide variant.
Coding change: c.592G>A on transcript NM_153460.4 (MANE Select); coding-DNA position 592, G replaced by A.
Protein change: p.Glu198Lys; replaces glutamic acid 198 with lysine.
Molecular consequence: missense variant. On other transcripts: intron variant (4).
Genome position (GRCh38, 1-based): chr3:9,920,939, G>A. VCF-style: chr3-9920939-G-A. GRCh37 (hg19) VCF-style: chr3-9962623-G-A.
Other names: c.592G>A, p.Glu198Lys (NM_001203263.2, NM_001203264.2, NM_001367278.1); c.805G>A, p.Glu269Lys (NM_153461.4); c.577+337G>A (NM_032732.6, NM_001367280.1, NM_001203265.2); c.502+337G>A (NM_001367279.1); short protein forms E198K, E269K.
Identifiers: ClinVar variation 1393031 (VCV001393031.8), dbSNP rs1269527270, ClinGen allele CA351758266.